The following is an entry in ClinVar:

ClinVar aggregate classification (germline): Uncertain significance (1 of 4 stars; one submission).

Submission:

Labcorp Genetics (formerly Invitae), Labcorp
Classification: Uncertain significance. Last evaluated: 2022-02-13. Review status: criteria provided, single submitter. Criteria: Invitae Variant Classification Sherloc (09022015). Collection method: clinical testing. Allele origin: germline.
Comment: In summary, the available evidence is currently insufficient to determine the role of this variant in disease. Therefore, it has been classified as a Variant of Uncertain Significance. This variant disrupts the p.Gly175 amino acid residue in USH2A. Other variant(s) that disrupt this residue have been observed in individuals with USH2A-related conditions (PMID: 22135276), which suggests that this may be a clinically significant amino acid residue. Algorithms developed to predict the effect of missense changes on protein structure and function (SIFT, PolyPhen-2, Align-GVGD) all suggest that this variant is likely to be disruptive. This missense change has been observed in individual(s) with USH2A-related conditions (Invitae). This variant is not present in population databases (gnomAD no frequency). This sequence change replaces glycine, which is neutral and non-polar, with glutamic acid, which is acidic and polar, at codon 1751 of the USH2A protein (p.Gly1751Glu).

Literature cited by the submitters: PubMed 22135276.

NM_206933.4(USH2A):c.5252G>A (p.Gly1751Glu)

Genes: USH2A (usherin; minus strand), USH2A-AS2 (USH2A antisense RNA 2; plus strand). Cytogenetic location: 1q41.
Variant type: single nucleotide variant.
Coding change: c.5252G>A on transcript NM_206933.4 (MANE Select); coding-DNA position 5252, G replaced by A.
Protein change: p.Gly1751Glu; replaces glycine 1751 with glutamic acid.
Molecular consequence: missense variant.
Genome position (GRCh38, 1-based): chr1:216,083,502, C>T on the plus strand (G>A on the coding strand, the complement: USH2A is on the minus strand). VCF-style: chr1-216083502-C-T. GRCh37 (hg19) VCF-style: chr1-216256844-C-T.
Other names: short protein forms G1751E.
Identifiers: ClinVar variation 2097368 (VCV002097368.4), dbSNP rs370995421, ClinGen allele CA344857919.
Genomic context (GRCh38, chr1:216,083,502, plus strand): 5'-ATTAATTCACATACAGCAAGAAAATCAGGTCCATCTTTGTTATAAACGAAAAGAAGCAAT[C>T]CATTTAATTGGTCAGTTCTGAACTTAAAGGAAATCTCAAAGTTCATTCCACCATGAAACA-3'
Protein context (NP_996816.3, residues 1741-1761): SFKFRTDQLN[Gly1751Glu]LLLFVYNKDG